The following is an entry in ClinVar:

NM_001127255.2(NLRP7):c.1280T>C (p.Met427Thr)

Gene: NLRP7 (NLR family pyrin domain containing 7; minus strand). Cytogenetic location: 19q13.42.
Variant type: single nucleotide variant.
Coding change: c.1280T>C on transcript NM_001127255.2 (MANE Select); coding-DNA position 1280, T replaced by C.
Protein change: p.Met427Thr; replaces methionine 427 with threonine.
Molecular consequence: missense variant.
Genome position (GRCh38, 1-based): chr19:54,939,539, A>G on the plus strand (T>C on the coding strand, the complement: NLRP7 is on the minus strand). VCF-style: chr19-54939539-A-G. GRCh37 (hg19) VCF-style: chr19-55450907-A-G.
Other names: c.1280T>C, p.Met427Thr (NM_001405531.1, NM_139176.4, NM_206828.4); short protein forms M427T.
Identifiers: ClinVar variation 3046529 (VCV003046529.2), dbSNP rs1654635, ClinGen allele CA310018060.
Genomic context (GRCh38, chr19:54,939,539, plus strand): 5'-AGACGGAGGTCGGACTCCTGCACCCCGAGCCTTTCCAGGTCCTCTCGGTGGAACACGGAC[A>G]TCTGCGCCCACAGGCCCTGCGCGGCCAGGAGGCTCAGCGTCCGCAGCGCGCCCCGCAGCT-3'
Protein context (NP_001120727.1, residues 417-437): LLAAQGLWAQ[Met427Thr]SVFHREDLER

ClinVar aggregate classification (germline): Likely benign (0 of 4 stars; one submission).

Conditions:
NLRP7-related disorder. Also called: NLRP7-related condition.

Allele frequency attached by ClinVar (database versions not stated): gnomAD exomes 0.00006; ExAC 0.00014; gnomAD 0.00016; 1000 Genomes Project 30x 0.00047; 1000 Genomes Project 0.00080.
gnomAD v4.1: 115 of 1,611,986 alleles (0.0071%); highest among the groups gnomAD compares: South Asian, 0.054%; no homozygotes.

Submission:

PreventionGenetics, part of Exact Sciences
Classification: Likely benign for NLRP7-related condition. Last evaluated: 2019-02-28. Review status: no assertion criteria provided. Collection method: clinical testing. Allele origin: germline.
Comment: This variant is classified as likely benign based on ACMG/AMP sequence variant interpretation guidelines (Richards et al. 2015 PMID: 25741868, with internal and published modifications).